The following is an entry in ClinVar:

ClinVar aggregate classification (germline): Conflicting classifications of pathogenicity. Review status: criteria provided, conflicting classifications (1 of 4 stars). 2 submissions from 2 submitters: Uncertain significance (1); Likely benign (1). Last evaluated 2024-05-02.

Conditions:
Familial cancer of breast. Also called: hereditary breast carcinoma; BREAST CANCER, FAMILIAL; Hereditary breast cancer. Identifiers: Orphanet 227535, MedGen C0346153, MONDO:0016419, OMIM 114480. Disease mechanism: loss of function.
Ataxia-telangiectasia syndrome (AT). Also called: Ataxia-telangiectasia, complementation group D; AT, COMPLEMENTATION GROUP C; Ataxia telangiectasia (A-T); Cerebello-oculocutaneous telangiectasia; Immunodeficiency with ataxia telangiectasia; Ataxia-telangiectasia. Identifiers: Orphanet 100, MedGen C0004135, MONDO:0008840, OMIM 208900.

Allele frequency attached by ClinVar (database versions not stated): TOPMed below 0.00001.

Submissions (2):

Myriad Genetics, Inc.
Classification: Likely benign for Familial cancer of breast. Last evaluated: 2024-05-02. Review status: criteria provided, single submitter. Criteria: Myriad Autosomal Dominant, Autosomal Recessive and X-Linked Classification Criteria (2023). Collection method: clinical testing. Allele origin: unknown.
Comment: This variant is considered likely benign. This variant is intronic and is not expected to impact mRNA splicing.

Labcorp Genetics (formerly Invitae), Labcorp
Classification: Uncertain significance for Ataxia-telangiectasia syndrome. Last evaluated: 2019-11-20. Review status: criteria provided, single submitter. Criteria: Invitae Variant Classification Sherloc (09022015). Collection method: clinical testing. Allele origin: germline.
Comment: In summary, the available evidence is currently insufficient to determine the role of this variant in disease. Therefore, it has been classified as a Variant of Uncertain Significance. Algorithms developed to predict the effect of sequence changes on RNA splicing suggest that this variant may disrupt the consensus splice site, but this prediction has not been confirmed by published transcriptional studies. This variant has not been reported in the literature in individuals with ATM-related conditions. This variant is not present in population databases (ExAC no frequency). This sequence change falls in intron 12 of the ATM gene. It does not directly change the encoded amino acid sequence of the ATM protein.

NM_000051.4(ATM):c.1899-5T>C

Gene: ATM (ATM serine/threonine kinase; plus strand). Cytogenetic location: 11q22.3.
Variant type: single nucleotide variant.
Coding change: c.1899-5T>C on transcript NM_000051.4 (MANE Select); 5 bases into the intron before coding-DNA position 1899, T replaced by C.
Molecular consequence: intron variant.
Genome position (GRCh38, 1-based): chr11:108,253,809, T>C. VCF-style: chr11-108253809-T-C. GRCh37 (hg19) VCF-style: chr11-108124536-T-C.
Other names: c.1899-5T>C (NM_001351834.2).
Identifiers: ClinVar variation 842560 (VCV000842560.10), dbSNP rs1591533679, ClinGen allele CA916080451.
Genomic context (GRCh38, chr11:108,253,809, plus strand): 5'-CTAATACATATAAGGCAAAGCATTAGGTACTTGGTTTATATATTAAAGATCTTACTTTCT[T>C]GAAGTGAACACCACCAAAAAGATAAAGAAGAACTTTCATTCTCAGAAGTAGAAGAACTAT-3'